The following is an entry in ClinVar:

NM_002047.4(GARS1):c.1031+6G>T

Gene: GARS1 (glycyl-tRNA synthetase 1; plus strand). Cytogenetic location: 7p14.3.
Variant type: single nucleotide variant.
Coding change: c.1031+6G>T on transcript NM_002047.4 (MANE Select); 6 bases into the intron after coding-DNA position 1031, G replaced by T.
Molecular consequence: intron variant.
Genome position (GRCh38, 1-based): chr7:30,612,251, G>T. VCF-style: chr7-30612251-G-T. GRCh37 (hg19) VCF-style: chr7-30651867-G-T.
Other names: c.869+6G>T (NM_001316772.1).
Identifiers: ClinVar variation 1680922 (VCV001680922.6), dbSNP rs2128134034, ClinGen allele CA2573142053.
Genomic context (GRCh38, chr7:30,612,251, plus strand): 5'-TTGGAAATTCTTTTAGAAATGAGATCTCCCCTCGATCTGGACTGATCAGAGTCAGGTACT[G>T]CTCAGGTTACTCTTACAAATTAGTGAATGACCTTGGCATTGCATTGAAAATGAAAGCTTG-3'

ClinVar aggregate classification (germline): Uncertain significance (1 of 4 stars; one submission).

Conditions:
Charcot-Marie-Tooth disease type 2. Also called: Charcot-Marie-Tooth type 2. Identifiers: Orphanet 64746, MedGen C0270914, MONDO:0018993.

Submission:

Labcorp Genetics (formerly Invitae), Labcorp
Classification: Uncertain significance for Charcot-Marie-Tooth disease type 2. Last evaluated: 2021-03-03. Review status: criteria provided, single submitter. Criteria: Invitae Variant Classification Sherloc (09022015). Collection method: clinical testing. Allele origin: germline.
Comment: This variant is not present in population databases (ExAC no frequency). This variant has not been reported in the literature in individuals with GARS-related conditions. Nucleotide substitutions within the consensus splice site are a relatively common cause of aberrant splicing (PMID: 17576681, 9536098). Algorithms developed to predict the effect of sequence changes on RNA splicing suggest that this variant is not likely to affect RNA splicing, but this prediction has not been confirmed by published transcriptional studies. In summary, the available evidence is currently insufficient to determine the role of this variant in disease. Therefore, it has been classified as a Variant of Uncertain Significance. This sequence change falls in intron 8 of the GARS gene. It does not directly change the encoded amino acid sequence of the GARS protein. It affects a nucleotide within the consensus splice site of the intron.

Literature cited by the submitters: PubMed 17576681; PubMed 9536098.